The following is an entry in ClinVar:

ClinVar aggregate classification (germline): Likely benign. Review status: criteria provided, single submitter (1 of 4 stars). 2 submissions from 2 submitters: Likely benign (1). 1 of the submissions does not count toward it. Last evaluated 2018-08-21.

Conditions:
NLGN3-related disorder. Also called: NLGN3-related condition.

Allele frequency attached by ClinVar (database versions not stated): gnomAD 0.00032 and 0.00031; ESP Exome Variant Server 0.00039; TOPMed 0.00042; gnomAD exomes 0.00004 and 0.00014; ExAC 0.00015; 1000 Genomes Project 30x 0.00021.

Submissions (2):

Labcorp Genetics (formerly Invitae), Labcorp
Classification: Likely benign. Last evaluated: 2018-08-21. Review status: criteria provided, single submitter. Criteria: Invitae Variant Classification Sherloc (09022015). Collection method: clinical testing. Allele origin: germline.

PreventionGenetics, part of Exact Sciences
Classification: Likely benign for NLGN3-related condition. Last evaluated: 2019-04-04. Review status: no assertion criteria provided. Collection method: clinical testing. Allele origin: germline. Not counted in ClinVar's aggregate classification.
Comment: This variant is classified as likely benign based on ACMG/AMP sequence variant interpretation guidelines (Richards et al. 2015 PMID: 25741868, with internal and published modifications).

NM_181303.2(NLGN3):c.728-4_728-3dup

Gene: NLGN3 (neuroligin 3; plus strand). Cytogenetic location: Xq13.1.
Variant type: Duplication.
Coding change: c.728-4_728-3dup on transcript NM_181303.2 (MANE Select); 4 bases into the intron before coding-DNA position 728 through 3 bases into the intron before coding-DNA position 728, 2 bases duplicated (CC; older notation c.728-4_728-3dupCC).
Molecular consequence: intron variant.
Genome position (GRCh38, 1-based): chrX:71,164,139-71,164,140, CC duplicated. VCF-style (leftmost placement, unchanged base first): chrX-71164138-T-TCC. GRCh37 (hg19) VCF-style: chrX-70383988-T-TCC.
Other names: c.668-4_668-3dup (NM_018977.4); c.608-4_608-3dup (NM_001166660.2); c.317-4_317-3dup (NM_001321276.2).
Identifiers: ClinVar variation 717870 (VCV000717870.5), dbSNP rs772207741, ClinGen allele CA10445082.
Genomic context (GRCh38, chrX:71,164,138, plus strand): 5'-GCCGTCATCACCCAAATCCTCCATCCCTCTGCCTTCATTGTCTTCATGCCCTTTGTTGAA[T>TCC]CCAGGTTTCCTGAGTACTGGAGATCAGGCTGCCAAGGGCAACTATGGGCTCCTTGACCAG-3'